The following is an entry in ClinVar:

NM_000126.4(ETFA):c.-40G>A

Gene: ETFA (electron transfer flavoprotein subunit alpha; minus strand). Cytogenetic location: 15q24.3.
Variant type: single nucleotide variant.
Coding change: c.-40G>A on transcript NM_000126.4 (MANE Select); 40 bases upstream of the start codon, G replaced by A.
Molecular consequence: 5 prime UTR variant.
Genome position (GRCh38, 1-based): chr15:76,311,428, C>T on the plus strand (G>A on the coding strand, the complement: ETFA is on the minus strand). VCF-style: chr15-76311428-C-T. GRCh37 (hg19) VCF-style: chr15-76603769-C-T.
Other names: c.-40G>A (NM_001127716.2).
Identifiers: ClinVar variation 383360 (VCV000383360.5), dbSNP rs1057521597, ClinGen allele CA16607876.

ClinVar aggregate classification (germline): Uncertain significance. Review status: criteria provided, multiple submitters, no conflicts (2 of 4 stars). 3 submissions from 3 submitters: Uncertain significance (3). Last evaluated 2024-03-26.

Conditions:
Multiple acyl-CoA dehydrogenase deficiency (MADD). Also called: Glutaric acidemia type II; GA 2; ETHYLMALONIC-ADIPICACIDURIA; GA II; Glutaric aciduria, type 2; Glutaric Acidemia type 2. Identifiers: Orphanet 26791, MedGen C0268596, MONDO:0009282, OMIM 231680.

Allele frequency attached by ClinVar (database versions not stated): gnomAD exomes 0.00001.
gnomAD v4.1: 1 of 1,546,908 alleles (0.000065%); highest among the groups gnomAD compares: Admixed American, 0.002%; no homozygotes.

Submissions (3):

Genomic Medicine Center of Excellence, King Faisal Specialist Hospital and Research Centre
Classification: Uncertain significance for Multiple acyl-CoA dehydrogenase deficiency. Last evaluated: 2024-03-26. Review status: criteria provided, single submitter. Criteria: ACMG Guidelines, 2015. Collection method: clinical testing. Allele origin: germline.

GeneDx
Classification: Uncertain significance. Last evaluated: 2021-04-08. Review status: criteria provided, single submitter. Criteria: GeneDx Variant Classification Process June 2021. Collection method: clinical testing. Allele origin: germline. Affected: yes.
Comment: Not observed at a significant frequency in large population cohorts (Lek et al., 2016); Nucleotide substitution is not conserved across species; This variant is associated with the following publications: (PMID: 31268564)

Baylor Genetics
Classification: Uncertain significance for Multiple acyl-CoA dehydrogenase deficiency. Last evaluated: 2019-09-25. Review status: criteria provided, single submitter. Criteria: ACMG Guidelines, 2015. Collection method: clinical testing. Allele origin: unknown. Affected: yes.
Comment: This variant was determined to be of uncertain significance according to ACMG Guidelines, 2015 [PMID:25741868].